The following is an entry in ClinVar:

NM_001008537.3(NEXMIF):c.4376A>T (p.Asp1459Val)

Gene: NEXMIF (neurite extension and migration factor; minus strand). Cytogenetic location: Xq13.3.
Variant type: single nucleotide variant.
Coding change: c.4376A>T on transcript NM_001008537.3 (MANE Select); coding-DNA position 4376, A replaced by T.
Protein change: p.Asp1459Val; replaces aspartic acid 1459 with valine.
Molecular consequence: missense variant.
Genome position (GRCh38, 1-based): chrX:74,740,181, T>A on the plus strand (A>T on the coding strand, the complement: NEXMIF is on the minus strand). VCF-style: chrX-74740181-T-A. GRCh37 (hg19) VCF-style: chrX-73960016-T-A.
Other names: short protein forms D1459V.
Identifiers: ClinVar variation 4885544 (VCV004885544.2).

ClinVar aggregate classification (germline): Uncertain significance (1 of 4 stars; one submission).

Submission:

Dasa
Classification: Uncertain significance. Last evaluated: 2025-11-29. Review status: criteria provided, single submitter. Criteria: DASA Assertion Criteria. Collection method: clinical testing. Allele origin: germline.
Comment: NM_001008537.3(NEXMIF):c.4376A>T (p.Asp1459Val) is a missense variant that results in the substitution of aspartic acid with valine. This variant is absent from population databases. The currently available literature and clinical evidence are not sufficient to establish a definitive association between this variant and the reported condition. Therefore, this variant is classified as a variant of uncertain significance.